The following is an entry in ClinVar:

NM_000260.4(MYO7A):c.5466C>T (p.Thr1822=)

Gene: MYO7A (myosin VIIA; plus strand). Cytogenetic location: 11q13.5.
Variant type: single nucleotide variant.
Coding change: c.5466C>T on transcript NM_000260.4 (MANE Select); coding-DNA position 5466, C replaced by T.
Protein change: p.Thr1822=; no amino-acid change (threonine 1822 retained).
Molecular consequence: synonymous variant.
Genome position (GRCh38, 1-based): chr11:77,204,215, C>T. VCF-style: chr11-77204215-C-T. GRCh37 (hg19) VCF-style: chr11-76915260-C-T.
Other names: c.5352C>T, p.Thr1784= (NM_001127180.2); c.5319C>T, p.Thr1773= (NM_001369365.1).
Identifiers: ClinVar variation 766328 (VCV000766328.35), dbSNP rs548620787, ClinGen allele CA6198712.

ClinVar aggregate classification (germline): Likely benign. Review status: criteria provided, multiple submitters, no conflicts (2 of 4 stars). 4 submissions from 4 submitters: Likely benign (3). 1 of the submissions does not count toward it. Last evaluated 2026-01-07.

Conditions:
Usher syndrome type 1B (USH1B). Also called: Usher syndrome type IB. Identifiers: MedGen C1848638, MONDO:0700087.

Allele frequency attached by ClinVar (database versions not stated): 1000 Genomes Project 30x 0.00016; 1000 Genomes Project 0.00020; gnomAD 0.00004; TOPMed 0.00004; gnomAD exomes 0.00007; ExAC 0.00009.
gnomAD v4.1: 146 of 1,575,796 alleles (0.0093%); highest among the groups gnomAD compares: East Asian, 0.026%; no homozygotes.

Submissions (4):

Labcorp Genetics (formerly Invitae), Labcorp
Classification: Likely benign. Last evaluated: 2026-01-07. Review status: criteria provided, single submitter. Criteria: Invitae Variant Classification Sherloc (09022015). Collection method: clinical testing. Allele origin: germline.

Blueprint Genetics
Classification: Likely benign. Last evaluated: 2024-09-06. Review status: criteria provided, single submitter. Criteria: ACMG Guidelines, 2015. Collection method: clinical testing. Allele origin: germline.

CeGaT Center for Human Genetics Tuebingen
Classification: Likely benign. Last evaluated: 2023-12-01. Review status: criteria provided, single submitter. Criteria: CeGaT Center For Human Genetics Tuebingen Variant Classification Criteria Version 2. Collection method: clinical testing. Allele origin: germline. Affected: yes. Observed: 1 variant allele.
Comment: MYO7A: BP4, BP7

Natera, Inc.
Classification: Likely benign for Usher syndrome type 1B. Last evaluated: 2020-09-03. Review status: no assertion criteria provided. Collection method: clinical testing. Allele origin: germline. Not counted in ClinVar's aggregate classification.